The following is an entry in ClinVar:

NM_001349338.3(FOXP1):c.840G>C (p.Gln280His)

Gene: FOXP1 (forkhead box P1; minus strand). Cytogenetic location: 3p13.
Variant type: single nucleotide variant.
Coding change: c.840G>C on transcript NM_001349338.3 (MANE Select); coding-DNA position 840, G replaced by C.
Protein change: p.Gln280His; replaces glutamine 280 with histidine.
Molecular consequence: missense variant. On other transcripts: non-coding transcript variant (2).
Genome position (GRCh38, 1-based): chr3:71,041,357, C>G on the plus strand (G>C on the coding strand, the complement: FOXP1 is on the minus strand). VCF-style: chr3-71041357-C-G. GRCh37 (hg19) VCF-style: chr3-71090508-C-G.
Other names: c.840G>C, p.Gln280His (NM_001244808.3, NM_001244810.2, NM_001244814.3 and 4 more transcripts); c.612G>C, p.Gln204His (NM_001244812.3); c.540G>C, p.Gln180His (NM_001244813.3, NM_001244815.2, NM_001349342.3 and 1 more transcripts); c.537G>C, p.Gln179His (NM_001349337.2, NM_001349343.3, NM_001349344.3); c.837G>C, p.Gln279His (NM_001349341.3); short protein forms Q180H, Q280H, Q279H, Q179H, Q204H.
Identifiers: ClinVar variation 1763289 (VCV001763289.8), dbSNP rs375611825, ClinGen allele CA77117740.

ClinVar aggregate classification (germline): Uncertain significance. Review status: criteria provided, multiple submitters, no conflicts (2 of 4 stars). 2 submissions from 2 submitters: Uncertain significance (2). Last evaluated 2026-06-10.

Conditions:
Inborn genetic diseases. Identifiers: MedGen C0950123, MeSH D030342.

Allele frequency attached by ClinVar (database versions not stated): gnomAD 0.00001; TOPMed 0.00001; ESP Exome Variant Server 0.00008.
gnomAD v4.1: 4 of 1,613,554 alleles (0.00025%); highest among the groups gnomAD compares: Non-Finnish European, 0.00034%; no homozygotes.

Submissions (2):

Ambry Genetics
Classification: Uncertain significance for Inborn genetic diseases. Last evaluated: 2026-06-10. Review status: criteria provided, single submitter. Criteria: Ambry Variant Classification Scheme 2023. Collection method: clinical testing. Allele origin: germline.

Labcorp Genetics (formerly Invitae), Labcorp
Classification: Uncertain significance. Last evaluated: 2024-02-16. Review status: criteria provided, single submitter. Criteria: Invitae Variant Classification Sherloc (09022015). Collection method: clinical testing. Allele origin: germline.
Comment: This sequence change replaces glutamine, which is neutral and polar, with histidine, which is basic and polar, at codon 280 of the FOXP1 protein (p.Gln280His). This variant is not present in population databases (gnomAD no frequency). This variant has not been reported in the literature in individuals affected with FOXP1-related conditions. ClinVar contains an entry for this variant (Variation ID: 1763289). Advanced modeling of protein sequence and biophysical properties (such as structural, functional, and spatial information, amino acid conservation, physicochemical variation, residue mobility, and thermodynamic stability) performed at Invitae indicates that this missense variant is not expected to disrupt FOXP1 protein function with a negative predictive value of 95%. In summary, the available evidence is currently insufficient to determine the role of this variant in disease. Therefore, it has been classified as a Variant of Uncertain Significance.